The following is an entry in ClinVar:

ClinVar aggregate classification (germline): Uncertain significance (1 of 4 stars; one submission).

gnomAD v4.1: 1 of 1,598,502 alleles (0.000063%); no homozygotes.

Submission:

Labcorp Genetics (formerly Invitae), Labcorp
Classification: Uncertain significance. Last evaluated: 2022-10-13. Review status: criteria provided, single submitter. Criteria: Invitae Variant Classification Sherloc (09022015). Collection method: clinical testing. Allele origin: germline.
Comment: This variant has not been reported in the literature in individuals affected with PKD1L1-related conditions. Advanced modeling of protein sequence and biophysical properties (such as structural, functional, and spatial information, amino acid conservation, physicochemical variation, residue mobility, and thermodynamic stability) performed at Invitae indicates that this missense variant is not expected to disrupt PKD1L1 protein function. In summary, the available evidence is currently insufficient to determine the role of this variant in disease. Therefore, it has been classified as a Variant of Uncertain Significance. This variant is not present in population databases (gnomAD no frequency). This sequence change replaces histidine, which is basic and polar, with tyrosine, which is neutral and polar, at codon 2475 of the PKD1L1 protein (p.His2475Tyr).

NM_138295.5(PKD1L1):c.7423C>T (p.His2475Tyr)

Genes: PKD1L1 (polycystin 1 like 1, transient receptor potential channel interacting; minus strand), PKD1L1-AS1 (PKD1L1 antisense RNA 1; plus strand). Cytogenetic location: 7p12.3.
Variant type: single nucleotide variant.
Coding change: c.7423C>T on transcript NM_138295.5 (MANE Select); coding-DNA position 7423, C replaced by T.
Protein change: p.His2475Tyr; replaces histidine 2475 with tyrosine.
Molecular consequence: missense variant.
Genome position (GRCh38, 1-based): chr7:47,811,975, G>A on the plus strand (C>T on the coding strand, the complement: PKD1L1 is on the minus strand). VCF-style: chr7-47811975-G-A. GRCh37 (hg19) VCF-style: chr7-47851573-G-A.
Other names: short protein forms H2475Y.
Identifiers: ClinVar variation 1917256 (VCV001917256.5), dbSNP rs1355099762, ClinGen allele CA367471465.